The following is an entry in ClinVar:

NM_001385641.1(SAMD11):c.1080G>T (p.Glu360Asp)

Gene: SAMD11 (sterile alpha motif domain containing 11; plus strand). Cytogenetic location: 1p36.33.
Variant type: single nucleotide variant.
Coding change: c.1080G>T on transcript NM_001385641.1 (MANE Select); coding-DNA position 1080, G replaced by T.
Protein change: p.Glu360Asp; replaces glutamic acid 360 with aspartic acid.
Molecular consequence: missense variant.
Genome position (GRCh38, 1-based): chr1:939,297, G>T. VCF-style: chr1-939297-G-T. GRCh37 (hg19) VCF-style: chr1-874677-G-T.
Other names: c.1083G>T, p.Glu361Asp (NM_001385640.1); c.543G>T, p.Glu181Asp (NM_152486.4); short protein forms E181D, E360D, E361D.
Identifiers: ClinVar variation 1913584 (VCV001913584.5), dbSNP rs778357559, ClinGen allele CA502696.
Genomic context (GRCh38, chr1:939,297, plus strand): 5'-GCCTGGAGAAACCTCTCACCCCGGGTCCTCCCCAGCAGAGGCGCTGCTGCTGCCGCGGGA[G>T]CTGGGGCCCAGCATGGCCCCGGAGGACCATTACCGCCGGCTTGTGTCAGCACTGAGCGAG-3'
Protein context (NP_001372570.1, residues 350-370): SPQEALLLPR[Glu360Asp]LGPSMAPEDH

ClinVar aggregate classification (germline): Uncertain significance (1 of 4 stars; one submission).

Allele frequency attached by ClinVar (database versions not stated): ExAC 0.00001.
gnomAD v4.1: 1 of 1,609,188 alleles (0.000062%); highest among the groups gnomAD compares: Admixed American, 0.0017%; no homozygotes.

Submission:

Labcorp Genetics (formerly Invitae), Labcorp
Classification: Uncertain significance. Last evaluated: 2022-09-27. Review status: criteria provided, single submitter. Criteria: Invitae Variant Classification Sherloc (09022015). Collection method: clinical testing. Allele origin: germline.
Comment: In summary, the available evidence is currently insufficient to determine the role of this variant in disease. Therefore, it has been classified as a Variant of Uncertain Significance. Algorithms developed to predict the effect of missense changes on protein structure and function output the following: SIFT: "Tolerated"; PolyPhen-2: "Benign"; Align-GVGD: "Class C0". The aspartic acid amino acid residue is found in multiple mammalian species, which suggests that this missense change does not adversely affect protein function. This variant has not been reported in the literature in individuals affected with SAMD11-related conditions. The frequency data for this variant in the population databases is considered unreliable, as metrics indicate poor data quality at this position in the gnomAD database. This sequence change replaces glutamic acid, which is acidic and polar, with aspartic acid, which is acidic and polar, at codon 181 of the SAMD11 protein (p.Glu181Asp).